The following is an entry in ClinVar:

ClinVar aggregate classification (germline): Likely pathogenic. Review status: criteria provided, single submitter (1 of 4 stars). 2 submissions from 2 submitters: Likely pathogenic (1). 1 of the submissions does not count toward it. Last evaluated 2023-07-26.

Conditions:
Cystic fibrosis (CF). Also called: MUCOVISCIDOSIS. Identifiers: Orphanet 586, MedGen C0010674, MONDO:0009061, OMIM 219700. Disease mechanism: loss of function.
CFTR-related disorder (CFTR-RD). Also called: CFTR-related disorders; CFTR-related condition. Identifiers: MedGen C5924204, MONDO:7770004.

Submissions (2):

Institute of Human Genetics, University of Leipzig Medical Center
Classification: Likely pathogenic for Cystic fibrosis. Last evaluated: 2023-07-26. Review status: criteria provided, single submitter. Criteria: ACMG Guidelines, 2015. Collection method: curation. Allele origin: unknown. Affected: yes. Observed: 1 variant allele.
Comment: This variant was classified based on the report of 1 patient with a clinically confirmed diagnosis of cystic fibrosis in the context of re-classifying variants in the German Cystic Fibrosis Registry (Muko e.V.). Patients have not been seen personally, but only reports were evaluated. Criteria applied:PVS1, PM2_SUP

Department of Urology, First Affiliated Hospital of Nanjing Medical University
Classification: Likely pathogenic for CFTR-related disorders. Last evaluated: 2023-12-25. Review status: no assertion criteria provided. Collection method: clinical testing. Allele origin: maternal. Affected: yes. Observed: 1 variant allele. Not counted in ClinVar's aggregate classification.

NM_000492.4(CFTR):c.1368del (p.Ala457fs)

Genes: CFTR (CF transmembrane conductance regulator; plus strand), CFTR-AS1 (CFTR antisense RNA 1; minus strand). Cytogenetic location: 7q31.2.
Variant type: Deletion.
Coding change: c.1368del on transcript NM_000492.4 (MANE Select); coding-DNA position 1368, one base deleted (T; older notation c.1368delT).
Protein change: p.Ala457fs; shifts the reading frame from alanine 457.
Molecular consequence: frameshift variant.
Genome position (GRCh38, 1-based): chr7:117,548,799, T deleted; the last of 2 consecutive T bases (chr7:117,548,798-117,548,799); deleting either gives the same sequence. VCF-style (leftmost placement, unchanged base first): chr7-117548797-GT-G. GRCh37 (hg19) VCF-style: chr7-117188851-GT-G.
Other names: 1500delT; c.1367delT (NM_000492.4); short protein forms A457fs.
Identifiers: ClinVar variation 2579738 (VCV002579738.3), dbSNP rs2485046547, ClinGen allele CA2580617914.